The following is an entry in ClinVar:

ClinVar aggregate classification (germline): Likely pathogenic (1 of 4 stars; one submission).

gnomAD v4.1: 1 of 1,608,336 alleles (0.000062%); highest among the groups gnomAD compares: Non-Finnish European, 0.000085%; no homozygotes.

Submission:

GeneDx
Classification: Likely pathogenic. Last evaluated: 2023-01-24. Review status: criteria provided, single submitter. Criteria: GeneDx Variant Classification Process June 2021. Collection method: clinical testing. Allele origin: germline. Affected: yes.
Comment: Has not been previously published as pathogenic or benign to our knowledge; Not observed at significant frequency in large population cohorts (gnomAD); In silico analysis supports that this missense variant does not alter protein structure/function

NM_016042.4(EXOSC3):c.238G>C (p.Val80Leu)

Gene: EXOSC3 (exosome component 3; minus strand). Cytogenetic location: 9p13.2.
Variant type: single nucleotide variant.
Coding change: c.238G>C on transcript NM_016042.4 (MANE Select); coding-DNA position 238, G replaced by C.
Protein change: p.Val80Leu; replaces valine 80 with leucine.
Molecular consequence: missense variant.
Genome position (GRCh38, 1-based): chr9:37,784,807, C>G on the plus strand (G>C on the coding strand, the complement: EXOSC3 is on the minus strand). VCF-style: chr9-37784807-C-G. GRCh37 (hg19) VCF-style: chr9-37784804-C-G.
Other names: c.238G>C, p.Val80Leu (NM_001002269.2); short protein forms V80L.
Identifiers: ClinVar variation 426671 (VCV000426671.5), dbSNP rs374550999, ClinGen allele CA373475788.